The following is an entry in ClinVar:

ClinVar aggregate classification (germline): Uncertain significance (0 of 4 stars; one submission).

Conditions:
PLXNB1-related disorder. Also called: PLXNB1-related condition.

Submission:

PreventionGenetics, part of Exact Sciences
Classification: Uncertain significance for PLXNB1-related condition. Last evaluated: 2024-06-24. Review status: no assertion criteria provided. Collection method: clinical testing. Allele origin: germline.
Comment: The PLXNB1 c.3443G>T variant is predicted to result in the amino acid substitution p.Arg1148Ile. To our knowledge, this variant has not been reported in the literature or in gnomAD, indicating this variant is rare. At this time, the clinical significance of this variant is uncertain due to the absence of conclusive functional and genetic evidence.

NM_001130082.3(PLXNB1):c.3443G>T (p.Arg1148Ile)

Gene: PLXNB1 (plexin B1; minus strand). Cytogenetic location: 3p21.31.
Variant type: single nucleotide variant.
Coding change: c.3443G>T on transcript NM_001130082.3 (MANE Select); coding-DNA position 3443, G replaced by T.
Protein change: p.Arg1148Ile; replaces arginine 1148 with isoleucine.
Molecular consequence: missense variant.
Genome position (GRCh38, 1-based): chr3:48,416,383, C>A on the plus strand (G>T on the coding strand, the complement: PLXNB1 is on the minus strand). VCF-style: chr3-48416383-C-A. GRCh37 (hg19) VCF-style: chr3-48457792-C-A.
Other names: c.3443G>T, p.Arg1148Ile (NM_002673.6); short protein forms R1148I.
Identifiers: ClinVar variation 3344524 (VCV003344524.1).